The following is an entry in ClinVar:

ClinVar aggregate classification (germline): Uncertain significance. Review status: criteria provided, multiple submitters, no conflicts (2 of 4 stars). 3 submissions from 3 submitters: Uncertain significance (3). Last evaluated 2024-02-25.

Conditions:
Dyskeratosis congenita, autosomal dominant 2. Identifiers: MedGen C3151443, MONDO:0013521, OMIM 613989.
Idiopathic Pulmonary Fibrosis. Also called: Idiopathic fibrosing alveolitis, chronic form; idiopathic fibrosing alveolitis. Identifiers: Orphanet 2032, MedGen C1800706, MeSH D054990, MONDO:0800504.
Dyskeratosis congenita. Identifiers: Orphanet 1775, MedGen C0265965, MONDO:0015780.

Submissions (3):

GeneDx
Classification: Uncertain significance. Last evaluated: 2024-02-25. Review status: criteria provided, single submitter. Criteria: GeneDx Variant Classification Process June 2021. Collection method: clinical testing. Allele origin: germline. Affected: yes.
Comment: Not observed at significant frequency in large population cohorts (gnomAD); In silico analysis supports that this missense variant does not alter protein structure/function; Has not been previously published as pathogenic or benign to our knowledge

Ambry Genetics
Classification: Uncertain significance for Dyskeratosis congenita. Last evaluated: 2022-08-03. Review status: criteria provided, single submitter. Criteria: Ambry Variant Classification Scheme 2023. Collection method: clinical testing. Allele origin: germline.
Comment: The p.V39L variant (also known as c.115G>T), located in coding exon 1 of the TERT gene, results from a G to T substitution at nucleotide position 115. The valine at codon 39 is replaced by leucine, an amino acid with highly similar properties. This amino acid position is conserved. In addition, this alteration is predicted to be tolerated by in silico analysis. Since supporting evidence is limited at this time, the clinical significance of this alteration remains unclear.

Labcorp Genetics (formerly Invitae), Labcorp
Classification: Uncertain significance for Dyskeratosis congenita, autosomal dominant 2; Idiopathic Pulmonary Fibrosis. Last evaluated: 2021-08-27. Review status: criteria provided, single submitter. Criteria: Invitae Variant Classification Sherloc (09022015). Collection method: clinical testing. Allele origin: germline.
Comment: This sequence change replaces valine with leucine at codon 39 of the TERT protein (p.Val39Leu). The valine residue is weakly conserved and there is a small physicochemical difference between valine and leucine. The frequency data for this variant in the population databases is considered unreliable, as metrics indicate insufficient coverage at this position in the ExAC database. This variant has not been reported in the literature in individuals affected with TERT-related conditions. Advanced modeling of protein sequence and biophysical properties (such as structural, functional, and spatial information, amino acid conservation, physicochemical variation, residue mobility, and thermodynamic stability) performed at Invitae indicates that this missense variant is not expected to disrupt TERT protein function. In summary, the available evidence is currently insufficient to determine the role of this variant in disease. Therefore, it has been classified as a Variant of Uncertain Significance.

NM_198253.3(TERT):c.115G>T (p.Val39Leu)

Genes: TERT (telomerase reverse transcriptase; minus strand), LOC110806263 (TERT 5' regulatory region; plus strand). Cytogenetic location: 5p15.33.
Variant type: single nucleotide variant.
Coding change: c.115G>T on transcript NM_198253.3 (MANE Select); coding-DNA position 115, G replaced by T.
Protein change: p.Val39Leu; replaces valine 39 with leucine.
Molecular consequence: missense variant. On other transcripts: non-coding transcript variant (2).
Genome position (GRCh38, 1-based): chr5:1,294,875, C>A on the plus strand (G>T on the coding strand, the complement: TERT is on the minus strand). VCF-style: chr5-1294875-C-A. GRCh37 (hg19) VCF-style: chr5-1294990-C-A.
Other names: c.115G>T, p.Val39Leu (NM_001193376.3); short protein forms V39L.
Identifiers: ClinVar variation 1438930 (VCV001438930.8), dbSNP rs1751294892, ClinGen allele CA359059243.